The following is an entry in ClinVar:

ClinVar aggregate classification (germline): Uncertain significance (1 of 4 stars; one submission).

gnomAD v4.1: 42 of 1,211,473 alleles (0.0035%); highest among the groups gnomAD compares: Non-Finnish European, 0.0041%; no homozygotes.

Submission:

Labcorp Genetics (formerly Invitae), Labcorp
Classification: Uncertain significance. Last evaluated: 2025-05-11. Review status: criteria provided, single submitter. Criteria: Invitae Variant Classification Sherloc (09022015). Collection method: clinical testing. Allele origin: germline.
Comment: This sequence change replaces arginine, which is basic and polar, with cysteine, which is neutral and slightly polar, at codon 293 of the ALAS2 protein (p.Arg293Cys). This variant is present in population databases (rs201086991, gnomAD 0.02%). This variant has not been reported in the literature in individuals affected with ALAS2-related conditions. Invitae Evidence Modeling of protein sequence and biophysical properties (such as structural, functional, and spatial information, amino acid conservation, physicochemical variation, residue mobility, and thermodynamic stability) has been performed for this missense variant. However, the output from this modeling did not meet the statistical confidence thresholds required to predict the impact of this variant on ALAS2 protein function. In summary, the available evidence is currently insufficient to determine the role of this variant in disease. Therefore, it has been classified as a Variant of Uncertain Significance.

NM_000032.5(ALAS2):c.877C>T (p.Arg293Cys)

Gene: ALAS2 (5'-aminolevulinate synthase 2; minus strand). Cytogenetic location: Xp11.21.
Variant type: single nucleotide variant.
Coding change: c.877C>T on transcript NM_000032.5 (MANE Select); coding-DNA position 877, C replaced by T.
Protein change: p.Arg293Cys; replaces arginine 293 with cysteine.
Molecular consequence: missense variant.
Genome position (GRCh38, 1-based): chrX:55,017,612, G>A on the plus strand (C>T on the coding strand, the complement: ALAS2 is on the minus strand). VCF-style: chrX-55017612-G-A. GRCh37 (hg19) VCF-style: chrX-55044045-G-A.
Other names: c.766C>T, p.Arg256Cys (NM_001037967.4); c.838C>T, p.Arg280Cys (NM_001037968.4); short protein forms R293C, R280C, R256C.
Identifiers: ClinVar variation 4706840 (VCV004706840.1).
Genomic context (GRCh38, chrX:55,017,612, plus strand): 5'-GTTTCTTTAGGTGGTCAGGGTCATTGTGCCTGAAGACAAACTTGGCTGCTCCACTGTTAC[G>A]GATACCTTGGATCATGGAAGCATGGTTGCCTGCGTCTGAGTAAATCTCGCACCCTGAGGA-3'
Protein context (NP_000023.2, residues 283-303): GNHASMIQGI[Arg293Cys]NSGAAKFVFR